The following is an entry in ClinVar:

ClinVar aggregate classification (germline): Uncertain significance (1 of 4 stars; one submission).

Conditions:
Pierpont syndrome (PRPTS). Identifiers: Orphanet 487825, MedGen C1865644, MONDO:0011213, OMIM 602342.

Submission:

Labcorp Genetics (formerly Invitae), Labcorp
Classification: Uncertain significance for Pierpont syndrome. Last evaluated: 2023-11-11. Review status: criteria provided, single submitter. Criteria: Invitae Variant Classification Sherloc (09022015). Collection method: clinical testing. Allele origin: germline.
Comment: This sequence change replaces lysine, which is basic and polar, with asparagine, which is neutral and polar, at codon 226 of the TBL1XR1 protein (p.Lys226Asn). This variant is not present in population databases (gnomAD no frequency). This variant has not been reported in the literature in individuals affected with TBL1XR1-related conditions. Advanced modeling of protein sequence and biophysical properties (such as structural, functional, and spatial information, amino acid conservation, physicochemical variation, residue mobility, and thermodynamic stability) performed at Invitae indicates that this missense variant is expected to disrupt TBL1XR1 protein function with a positive predictive value of 95%. In summary, the available evidence is currently insufficient to determine the role of this variant in disease. Therefore, it has been classified as a Variant of Uncertain Significance.

NM_024665.7(TBL1XR1):c.678G>C (p.Lys226Asn)

Gene: TBL1XR1 (TBL1X/Y related 1; minus strand). Cytogenetic location: 3q26.32.
Variant type: single nucleotide variant.
Coding change: c.678G>C on transcript NM_024665.7 (MANE Select); coding-DNA position 678, G replaced by C.
Protein change: p.Lys226Asn; replaces lysine 226 with asparagine.
Molecular consequence: missense variant.
Genome position (GRCh38, 1-based): chr3:177,050,021, C>G on the plus strand (G>C on the coding strand, the complement: TBL1XR1 is on the minus strand). VCF-style: chr3-177050021-C-G. GRCh37 (hg19) VCF-style: chr3-176767809-C-G.
Other names: c.678G>C, p.Lys226Asn (NM_001321193.3, NM_001321194.3, NM_001374327.1 and 2 more transcripts); c.417G>C, p.Lys139Asn (NM_001321195.3, NM_001374330.1); short protein forms K226N, K139N.
Identifiers: ClinVar variation 2695182 (VCV002695182.3), dbSNP rs2473719947, ClinGen allele CA355552431.